The following is an entry in ClinVar:

ClinVar aggregate classification (germline): Uncertain significance. Review status: criteria provided, multiple submitters, no conflicts (2 of 4 stars). 3 submissions from 3 submitters: Uncertain significance (3). Last evaluated 2025-07-02.

Conditions:
Primary ciliary dyskinesia. Also called: Ciliary dyskinesia. Identifiers: Orphanet 244, MedGen C0008780, MONDO:0016575, HP:0012265.
Primary ciliary dyskinesia 9. Also called: CILIARY DYSKINESIA, PRIMARY, 9, WITH OR WITHOUT SITUS INVERSUS. Identifiers: Orphanet 244, MedGen C2676235, MONDO:0012906, OMIM 612444.

Allele frequency attached by ClinVar (database versions not stated): ExAC 0.00003; gnomAD 0.00003; TOPMed 0.00003; ESP Exome Variant Server 0.00008.
gnomAD v4.1: 31 of 1,613,516 alleles (0.0019%); highest among the groups gnomAD compares: African/African-American, 0.004%; no homozygotes.

Submissions (3):

ARUP Laboratories, Molecular Genetics and Genomics, ARUP Laboratories
Classification: Uncertain significance for Primary ciliary dyskinesia 9. Last evaluated: 2025-07-02. Review status: criteria provided, single submitter. Criteria: ARUP Molecular Germline Variant Investigation Process 2024. Collection method: clinical testing. Allele origin: germline.
Comment: The DNAI2 c.1348-14G>A variant (rs374828965), to our knowledge, is not reported in the medical literature but is reported in ClinVar (Variation ID: 2202295). This variant is found in the non-Finnish European population with an allele frequency of 0.005% (6/113,290 alleles) in the Genome Aggregation Database (v2.1.1). This is an intronic variant in a weakly conserved nucleotide, and computational analyses (Alamut Visual Plus v.1.12) predict that this variant may impact splicing by creating a novel cryptic acceptor splice site and weakening the nearby canonical acceptor splice site; however, RNA studies would be required to confirm these predictions. Given the lack of clinical and functional data, the significance of this variant is uncertain at this time.

Blueprint Genetics
Classification: Uncertain significance. Last evaluated: 2024-03-06. Review status: criteria provided, single submitter. Criteria: ACMG Guidelines, 2015. Collection method: clinical testing. Allele origin: germline.

Labcorp Genetics (formerly Invitae), Labcorp
Classification: Uncertain significance for Primary ciliary dyskinesia. Last evaluated: 2022-05-19. Review status: criteria provided, single submitter. Criteria: Invitae Variant Classification Sherloc (09022015). Collection method: clinical testing. Allele origin: germline.
Comment: This sequence change falls in intron 10 of the DNAI2 gene. It does not directly change the encoded amino acid sequence of the DNAI2 protein. This variant is present in population databases (rs374828965, gnomAD 0.004%). This variant has not been reported in the literature in individuals affected with DNAI2-related conditions. Algorithms developed to predict the effect of sequence changes on RNA splicing suggest that this variant may disrupt the consensus splice site. In summary, the available evidence is currently insufficient to determine the role of this variant in disease. Therefore, it has been classified as a Variant of Uncertain Significance.

NM_023036.6(DNAI2):c.1348-14G>A

Gene: DNAI2 (dynein axonemal intermediate chain 2; plus strand). Cytogenetic location: 17q25.1.
Variant type: single nucleotide variant.
Coding change: c.1348-14G>A on transcript NM_023036.6 (MANE Select); 14 bases into the intron before coding-DNA position 1348, G replaced by A.
Molecular consequence: intron variant.
Genome position (GRCh38, 1-based): chr17:74,310,003, G>A. VCF-style: chr17-74310003-G-A. GRCh37 (hg19) VCF-style: chr17-72306142-G-A.
Other names: c.1348-14G>A (NM_001353167.2); c.1348-50G>A (NM_001172810.3).
Identifiers: ClinVar variation 2202295 (VCV002202295.3), dbSNP rs374828965, ClinGen allele CA8745755.
Genomic context (GRCh38, chr17:74,310,003, plus strand): 5'-AGGGGCCAGTTAATCAGACACACATAACTTTGCTCCTCTCTCCTCTACCTGGGTCTGCCC[G>A]GCCCCTTCAATAGGTGTGTGACGAGGCCCTCTTCTGCCTCCGGGTGCAGGACAATGGGTG-3'